The following is an entry in ClinVar:

NM_000057.4(BLM):c.446G>C (p.Ser149Thr)

Gene: BLM (BLM RecQ like helicase; plus strand). Cytogenetic location: 15q26.1.
Variant type: single nucleotide variant.
Coding change: c.446G>C on transcript NM_000057.4 (MANE Select); coding-DNA position 446, G replaced by C.
Protein change: p.Ser149Thr; replaces serine 149 with threonine.
Molecular consequence: missense variant. On other transcripts: 5 prime UTR variant (1).
Genome position (GRCh38, 1-based): chr15:90,749,714, G>C. VCF-style: chr15-90749714-G-C. GRCh37 (hg19) VCF-style: chr15-91292944-G-C.
Other names: c.446G>C, p.Ser149Thr (NM_001287246.2, NM_001287247.2); c.-846G>C (NM_001287248.2); short protein forms S149T.
Identifiers: ClinVar variation 2102810 (VCV002102810.4), dbSNP rs750929735, ClinGen allele CA393840756.

ClinVar aggregate classification (germline): Uncertain significance (1 of 4 stars; one submission).

Conditions:
Bloom syndrome (BLM). Also called: Bloom-Torre-Machacek syndrome. Identifiers: Orphanet 125, MedGen C0005859, MONDO:0008876, OMIM 210900.

Allele frequency attached by ClinVar (database versions not stated): TOPMed below 0.00001.

Submission:

Labcorp Genetics (formerly Invitae), Labcorp
Classification: Uncertain significance for Bloom syndrome. Last evaluated: 2022-03-05. Review status: criteria provided, single submitter. Criteria: Invitae Variant Classification Sherloc (09022015). Collection method: clinical testing. Allele origin: germline.
Comment: This sequence change replaces serine, which is neutral and polar, with threonine, which is neutral and polar, at codon 149 of the BLM protein (p.Ser149Thr). This variant is not present in population databases (gnomAD no frequency). This variant has not been reported in the literature in individuals affected with BLM-related conditions. Algorithms developed to predict the effect of missense changes on protein structure and function output the following: SIFT: "Tolerated"; PolyPhen-2: "Benign"; Align-GVGD: "Class C0". The threonine amino acid residue is found in multiple mammalian species, which suggests that this missense change does not adversely affect protein function. In summary, the available evidence is currently insufficient to determine the role of this variant in disease. Therefore, it has been classified as a Variant of Uncertain Significance.